The following is an entry in ClinVar:

NM_152296.5(ATP1A3):c.351_352del (p.Asp118fs)

Gene: ATP1A3 (ATPase Na+/K+ transporting subunit alpha 3; minus strand). Cytogenetic location: 19q13.2.
Variant type: Deletion.
Coding change: c.351_352del on transcript NM_152296.5 (MANE Select); coding-DNA positions 351 to 352, 2 bases deleted (TG; older notation c.351_352delTG).
Protein change: p.Asp118fs; shifts the reading frame from aspartic acid 118.
Molecular consequence: frameshift variant.
Genome position (GRCh38, 1-based): chr19:41,987,941-41,987,942, CA deleted on the plus strand (TG on the coding strand, the reverse complement: ATP1A3 is on the minus strand); deleting any 2 consecutive bases within chr19:41,987,941-41,987,943 gives the same sequence; the c. name uses the placement nearest the transcript's 3' end. VCF-style (leftmost placement, unchanged base first): chr19-41987940-TCA-T. GRCh37 (hg19) VCF-style: chr19-42492092-TCA-T.
Other names: c.384_385del, p.Asp129fs (NM_001256213.2); c.390_391del, p.Asp131fs (NM_001256214.2); short protein forms D131fs, D118fs, D129fs.
Identifiers: ClinVar variation 3455849 (VCV003455849.1).
Genomic context (GRCh38, chr19:41,987,940, plus strand): 5'-CGGTGTCCGTAAATAAATGTGCAGAGCCTTGCACAGGGCAGGGTCCAGGCACTCACGTTG[TCA>T]CCAGAGGGGTCGTCCTCGGTGCCCGCCTGGATACCGTAGGCCAGGAAGCAGAGGATAGCC-3'

ClinVar aggregate classification (germline): Uncertain significance (1 of 4 stars; one submission).

Conditions:
Inborn genetic diseases. Identifiers: MedGen C0950123, MeSH D030342.

Submission:

Ambry Genetics
Classification: Uncertain significance for Inborn genetic diseases. Last evaluated: 2024-11-21. Review status: criteria provided, single submitter. Criteria: Ambry Variant Classification Scheme 2023. Collection method: clinical testing. Allele origin: germline.
Comment: Loss of function has not been established as a mechanism of disease Based on insufficient or conflicting evidence, the clinical significance of this alteration remains unclear.